The following is an entry in ClinVar:

ClinVar aggregate classification (germline): Likely benign (1 of 4 stars; one submission).

gnomAD v4.1: 152 of 1,613,812 alleles (0.0094%); highest among the groups gnomAD compares: Non-Finnish European, 0.013%; no homozygotes.

Submission:

CeGaT Center for Human Genetics Tuebingen
Classification: Likely benign. Last evaluated: 2026-06-01. Review status: criteria provided, single submitter. Criteria: CeGaT Center For Human Genetics Tuebingen Variant Classification Criteria Version 2. Collection method: clinical testing. Allele origin: germline. Affected: yes. Observed: 1 variant allele.
Comment: LGR6: BP4, BP7

NM_001017403.2(LGR6):c.1860A>T (p.Ser620=)

Gene: LGR6 (leucine rich repeat containing G protein-coupled receptor 6; plus strand). Cytogenetic location: 1q32.1.
Variant type: single nucleotide variant.
Coding change: c.1860A>T on transcript NM_001017403.2 (MANE Select); coding-DNA position 1860, A replaced by T.
Protein change: p.Ser620=; no amino-acid change (serine 620 retained).
Molecular consequence: synonymous variant.
Genome position (GRCh38, 1-based): chr1:202,318,163, A>T. VCF-style: chr1-202318163-A-T. GRCh37 (hg19) VCF-style: chr1-202287291-A-T.
Other names: c.1443A>T, p.Ser481= (NM_001017404.2); c.1704A>T, p.Ser568= (NM_021636.3).
Identifiers: ClinVar variation 4875315 (VCV004875315.2).